The following is an entry in ClinVar:

NM_032776.3(JMJD1C):c.359A>T (p.Asn120Ile)

Gene: JMJD1C (jumonji domain containing 1C; minus strand). Cytogenetic location: 10q21.3.
Variant type: single nucleotide variant.
Coding change: c.359A>T on transcript NM_032776.3 (MANE Select); coding-DNA position 359, A replaced by T.
Protein change: p.Asn120Ile; replaces asparagine 120 with isoleucine.
Molecular consequence: missense variant. On other transcripts: 5 prime UTR variant (5), intron variant (1).
Genome position (GRCh38, 1-based): chr10:63,264,739, T>A on the plus strand (A>T on the coding strand, the complement: JMJD1C is on the minus strand). VCF-style: chr10-63264739-T-A. GRCh37 (hg19) VCF-style: chr10-65024499-T-A.
Other names: c.359A>T (NM_032776.2); c.-188A>T (NM_001282948.2, NM_001318154.2); c.-510A>T (NM_001318153.2); c.-193A>T (NM_001322254.2, NM_001322258.2); c.334-44756A>T (NM_001322252.2); short protein forms N120I.
Identifiers: ClinVar variation 3531392 (VCV003531392.2).

ClinVar aggregate classification (germline): Uncertain significance. Review status: criteria provided, multiple submitters, no conflicts (2 of 4 stars). 2 submissions from 2 submitters: Uncertain significance (2). Last evaluated 2025-01-19.

Conditions:
JMJD1C-related disorder. Also called: JMJD1C-related condition.

Submissions (2):

PreventionGenetics, part of Exact Sciences
Classification: Uncertain significance for JMJD1C-related condition. Last evaluated: 2025-01-19. Review status: criteria provided, single submitter. Criteria: ACMG Guidelines, 2015. Collection method: clinical testing. Allele origin: germline.
Comment: The JMJD1C c.359A>T variant is predicted to result in the amino acid substitution p.Asn120Ile. To our knowledge, this variant has not been reported in the literature or in a large population database (gnomAD), indicating this variant is rare. At this time, the clinical significance of this variant is uncertain due to the absence of conclusive functional and genetic evidence.

Ambry Genetics
Classification: Uncertain significance. Last evaluated: 2024-08-27. Review status: criteria provided, single submitter. Criteria: Ambry Variant Classification Scheme 2023. Collection method: clinical testing. Allele origin: germline.